The following is an entry in ClinVar:

ClinVar aggregate classification (germline): Pathogenic. Review status: reviewed by expert panel (3 of 4 stars). 4 submissions from 4 submitters: Pathogenic (1). 3 of the submissions do not count toward it. Last evaluated 2021-09-24.

Conditions:
Cystic fibrosis (CF). Also called: MUCOVISCIDOSIS. Identifiers: Orphanet 586, MedGen C0010674, MONDO:0009061, OMIM 219700. Disease mechanism: loss of function.
CFTR-related disorder (CFTR-RD). Also called: CFTR-related disorders; CFTR-related condition. Identifiers: MedGen C5924204, MONDO:7770004.

gnomAD v4.1: 1 of 1,609,324 alleles (0.000062%); highest among the groups gnomAD compares: Non-Finnish European, 0.000085%; no homozygotes.

Submissions (4):

CFTR2
Classification: Pathogenic for Cystic fibrosis. Last evaluated: 2021-09-24. Review status: reviewed by expert panel. Criteria: Submitter's publication and website. Collection method: research. Allele origin: germline. Affected: yes.

Labcorp Genetics (formerly Invitae), Labcorp
Classification: Pathogenic for Cystic fibrosis. Last evaluated: 2023-11-18. Review status: criteria provided, single submitter. Criteria: Invitae Variant Classification Sherloc (09022015). Collection method: clinical testing. Allele origin: germline. Not counted in ClinVar's aggregate classification.
Comment: This sequence change creates a premature translational stop signal (p.Arg1128*) in the CFTR gene. It is expected to result in an absent or disrupted protein product. Loss-of-function variants in CFTR are known to be pathogenic (PMID: 1695717, 7691345, 9725922). This variant is not present in population databases (gnomAD no frequency). This premature translational stop signal has been observed in individual(s) with cystic fibrosis (PMID: 29497617). ClinVar contains an entry for this variant (Variation ID: 1300165). Algorithms developed to predict the effect of sequence changes on RNA splicing suggest that this variant may disrupt the consensus splice site. For these reasons, this variant has been classified as Pathogenic.

Ambry Genetics
Classification: Pathogenic for Cystic fibrosis. Last evaluated: 2023-03-08. Review status: criteria provided, single submitter. Criteria: Ambry Variant Classification Scheme 2023. Collection method: clinical testing. Allele origin: germline. Not counted in ClinVar's aggregate classification.
Comment: The p.R1128* pathogenic mutation (also known as c.3382A>T), located in coding exon 21 of the CFTR gene, results from an A to T substitution at nucleotide position 3382. This changes the amino acid from an arginine to a stop codon within coding exon 21. This alteration is expected to result in loss of function by premature protein truncation or nonsense-mediated mRNA decay. As such, this alteration is interpreted as a disease-causing mutation.

Natera, Inc.
Classification: Pathogenic for CFTR-related disorders. Last evaluated: 2017-03-17. Review status: no assertion criteria provided. Collection method: clinical testing. Allele origin: germline. Not counted in ClinVar's aggregate classification.

Literature cited by the submitters: PubMed 1695717 (cited by Labcorp Genetics (formerly Invitae), Labcorp); PubMed 7691345 (cited by Labcorp Genetics (formerly Invitae), Labcorp); PubMed 9725922 (cited by Labcorp Genetics (formerly Invitae), Labcorp); PubMed 29497617 (cited by Labcorp Genetics (formerly Invitae), Labcorp).

NM_000492.4(CFTR):c.3382A>T (p.Arg1128Ter)

Genes: CFTR (CF transmembrane conductance regulator; plus strand), CFTR-AS2 (CFTR antisense RNA 2; minus strand). Cytogenetic location: 7q31.2.
Variant type: single nucleotide variant.
Coding change: c.3382A>T on transcript NM_000492.4 (MANE Select); coding-DNA position 3382, A replaced by T.
Protein change: p.Arg1128Ter; replaces arginine 1128 with a stop codon.
Molecular consequence: nonsense.
Genome position (GRCh38, 1-based): chr7:117,614,627, A>T. VCF-style: chr7-117614627-A-T. GRCh37 (hg19) VCF-style: chr7-117254681-A-T.
Other names: p.Arg1128X; short protein forms R1128*.
Identifiers: ClinVar variation 1300165 (VCV001300165.8), dbSNP rs397508549, ClinGen allele CA327162.